The following is an entry in ClinVar:

NM_007294.4(BRCA1):c.5333-36_5406+400del

Gene: BRCA1 (BRCA1 DNA repair associated; minus strand). Cytogenetic location: 17q21.31.
Variant type: Deletion.
Coding change: c.5333-36_5406+400del on transcript NM_007294.4 (MANE Select); 36 bases into the intron before coding-DNA position 5333 through 400 bases into the intron after coding-DNA position 5406, 510 bases deleted.
Molecular consequence: splice acceptor variant, splice donor variant. On other transcripts: intron variant (19).
Genome position (GRCh38, 1-based): chr17:43,048,721-43,049,230, 510 bases deleted. GRCh37 (hg19): chr17:41,200,740-41,201,249.
Other names: IVS21-36del510; c.5333-36_5406+400del510 (NM_007294.3); c.1880-36_1953+400del (NM_001408458.1, NM_001408461.1, NM_001408464.1 and 7 more transcripts); c.4442-36_4515+400del (NM_001407967.1); c.4952-36_5025+400del (NM_001407959.1); c.5066-36_5139+400del (NM_001407931.1, NM_001407932.1, NM_001407928.1 and 4 more transcripts); c.5189-36_5262+400del (NM_001407747.1, NM_001407745.1, NM_001407737.1 and 18 more transcripts); c.4949-36_5022+400del (NM_001407962.1, NM_001407960.1); and 86 more.
Identifiers: ClinVar variation 267601 (VCV000267601.28), dbSNP rs1555574977, ClinGen allele CA10602571.

ClinVar aggregate classification (germline): Pathogenic. Review status: reviewed by expert panel (3 of 4 stars). 6 submissions from 6 submitters: Pathogenic (1). 5 of the submissions do not count toward it. Last evaluated 2024-06-11.

Conditions:
BRCA1-related cancer predisposition. Identifiers: MedGen CN377757, MONDO:0700268.
Hereditary cancer-predisposing syndrome. Also called: Hereditary Cancer Syndrome; Neoplastic Syndromes, Hereditary; Hereditary neoplastic syndrome; Tumor predisposition. Identifiers: Orphanet 140162, MedGen C0027672, MeSH D009386, MONDO:0015356.
Breast-ovarian cancer, familial, susceptibility to, 1 (BROVCA1). Also called: BRCA1 Hereditary Breast and Ovarian Cancer; OVARIAN CANCER, SUSCEPTIBILITY TO. Identifiers: Orphanet 145, MedGen C2676676, MONDO:0011450, OMIM 604370. Disease mechanism: loss of function.

Submissions (6):

ClinGen ENIGMA BRCA1 and BRCA2 Variant Curation Expert Panel, ClinGen
Classification: Pathogenic for BRCA1-related cancer predisposition. Last evaluated: 2024-06-11. Review status: reviewed by expert panel. Criteria: CSpec BRCA1/2ACMG Rules Specifications V1.0. Collection method: curation. Allele origin: germline. Inheritance: Autosomal dominant inheritance.
Comment: The c.5333-36_5406+400del variant in BRCA1 is a large deletion variant. This deletion variant was not observed in gnomAD v2.1 (exomes only, non-cancer subset) or gnomAD v3.1 (non-cancer subset), but PM2_Supporting was not applied since recall is suboptimal for this type of variant (PM2_Supporting not met). This variant has been previously reported as deletion exon 22 (legacy exon numbering) in PMIDs: 9354803, 18431737, 22544547, and 24065545. Deletion of exon 21 variant is predicted to cause a premature stop codon that is predicted to escape nonsense mediated decay, however it is a truncation of a functionally important region (sequence upstream of BRCA1 p.Leu1854 is disrupted) (PVS1 met). The ENIGMA BRCA1/BRCA2 VCEP considered multiple lines of functional and clinical evidence to define exon-specific weights for PTC in BRCA1, and results indicate that strong evidence towards pathogenicity may be applied for a PTC variant within BRCA1 exon 23 (PTC occurs before p.I1855) (PM5_Strong (PTC)). In summary, this variant meets the criteria to be classified as a Pathogenic variant for BRCA1-related cancer predisposition based on the ACMG/AMP criteria applied as specified by the ENIGMA BRCA1/2 VCEP (PVS1, PM5_Strong (PTC)).

Clinical Genetics Laboratory, Skane University Hospital Lund
Classification: Pathogenic. Last evaluated: 2023-11-02. Review status: criteria provided, single submitter. Criteria: ACMG Guidelines, 2015. Collection method: clinical testing. Allele origin: germline. Affected: yes. Not counted in ClinVar's aggregate classification.

Ambry Genetics
Classification: Pathogenic for Hereditary cancer-predisposing syndrome. Last evaluated: 2020-02-20. Review status: criteria provided, single submitter. Criteria: Ambry Variant Classification Scheme 2023. Collection method: clinical testing. Allele origin: germline. Not counted in ClinVar's aggregate classification.
Comment: The c.5333-36_5406+400del510 pathogenic mutation, results from a deletion of 510 nucleotides at positions 5333-36 to 5406+400, spans coding exon 20 of the BRCA1 gene, and causes a translational frameshift with a predicted alternate stop codon. This specific deletion was first characterized as a recurrent finding in Dutch breast cancer families (Petrij-Bosch A et al. Nat. Genet., 1997 Nov;17:341-5). The deletion co-segregated with disease in all families identified and linkage analysis supported a founder effect in the Dutch population. Additional studies have identified this 510bp deletion in other high risk breast/ovarian cancer families (Engert S et al. Hum. Mutat., 2008 Jul;29:948-58; Rudnicka H et al. Mol. Biol. Rep., 2013 Dec;40:6619-23). Of note, this deletion is also designated as exon 22 del and g.168752_169261del in published literature. In addition to the clinical data presented in the literature, this alteration is expected to result in loss of function due to a translational frameshift leading to premature truncation, or nonsense-mediated mRNA decay. As such, this alteration is interpreted as a disease-causing mutation.

Consortium of Investigators of Modifiers of BRCA1/2 (CIMBA), c/o University of Cambridge
Classification: Pathogenic for Breast-ovarian cancer, familial, susceptibility to, 1. Last evaluated: 2015-10-02. Review status: criteria provided, single submitter. Criteria: CIMBA Mutation Classification guidelines May 2016. Collection method: clinical testing. Allele origin: germline. Not counted in ClinVar's aggregate classification.

BRCAlab, Lund University
Classification: Pathogenic for Breast-ovarian cancer, familial, susceptibility to, 1. Last evaluated: 2022-08-26. Review status: no assertion criteria provided. Collection method: clinical testing. Allele origin: germline. Affected: yes. Not counted in ClinVar's aggregate classification.

Breast Cancer Information Core (BIC) (BRCA1)
Classification: Pathogenic for Breast-ovarian cancer, familial 1. Last evaluated: 1999-12-30. Review status: no assertion criteria provided. Collection method: clinical testing. Allele origin: germline. Affected: yes. Observed: 56 variant alleles. Not counted in ClinVar's aggregate classification.

Literature cited by the submitters: PubMed 18330910 (cited by Ambry Genetics); PubMed 18431737 (cited by Ambry Genetics); PubMed 22544547 (cited by Ambry Genetics); PubMed 24065545 (cited by Ambry Genetics); PubMed 9354803 (cited by Ambry Genetics and Breast Cancer Information Core (BIC) (BRCA1)).